The following is an entry in ClinVar:

ClinVar aggregate classification (germline): Likely benign (1 of 4 stars; one submission).

Allele frequency attached by ClinVar (database versions not stated): gnomAD exomes below 0.00001; gnomAD 0.00001.
gnomAD v4.1: 5 of 1,514,160 alleles (0.00033%); highest among the groups gnomAD compares: Middle Eastern, 0.055%; no homozygotes.

Submission:

CeGaT Center for Human Genetics Tuebingen
Classification: Likely benign. Last evaluated: 2023-03-01. Review status: criteria provided, single submitter. Criteria: CeGaT Center For Human Genetics Tuebingen Variant Classification Criteria Version 2. Collection method: clinical testing. Allele origin: germline. Affected: yes. Observed: 4 variant alleles.
Comment: CRB2: BP4, BP7

NM_173689.7(CRB2):c.600C>T (p.His200=)

Gene: CRB2 (crumbs cell polarity complex component 2; plus strand). Cytogenetic location: 9q33.3.
Variant type: single nucleotide variant.
Coding change: c.600C>T on transcript NM_173689.7 (MANE Select); coding-DNA position 600, C replaced by T.
Protein change: p.His200=; no amino-acid change (histidine 200 retained).
Molecular consequence: synonymous variant.
Genome position (GRCh38, 1-based): chr9:123,366,098, C>T. VCF-style: chr9-123366098-C-T. GRCh37 (hg19) VCF-style: chr9-126128377-C-T.
Identifiers: ClinVar variation 1335736 (VCV001335736.35), dbSNP rs1375078263, ClinGen allele CA467205270.
Genomic context (GRCh38, chr9:123,366,098, plus strand): 5'-TTGCCAGCTGGACCTCGACGAGTGCCAGAGCCAGCCGTGCGCACATGGGGGCACGTGCCA[C>T]GACCTGGTCAACGGGTGAGCGAGCGGCGGGGCAGGCGGCAGGGGCGCCGGGTGCCCGAGG-3'
Protein context (NP_775960.4, residues 190-210): SQPCAHGGTC[His200=]DLVNGFRCDC